The following is an entry in ClinVar:

NM_001081.4(CUBN):c.6647-5C>G

Gene: CUBN (cubilin; minus strand). Cytogenetic location: 10p13.
Variant type: single nucleotide variant.
Coding change: c.6647-5C>G on transcript NM_001081.4 (MANE Select); 5 bases into the intron before coding-DNA position 6647, C replaced by G.
Molecular consequence: intron variant.
Genome position (GRCh38, 1-based): chr10:16,920,142, G>C on the plus strand (C>G on the coding strand, the complement: CUBN is on the minus strand). VCF-style: chr10-16920142-G-C. GRCh37 (hg19) VCF-style: chr10-16962141-G-C.
Identifiers: ClinVar variation 2102620 (VCV002102620.4), dbSNP rs1470850031, ClinGen allele CA2580081369.

ClinVar aggregate classification (germline): Uncertain significance (1 of 4 stars; one submission).

Conditions:
Imerslund-Grasbeck syndrome. Also called: PERNICIOUS ANEMIA, JUVENILE, DUE TO SELECTIVE INTESTINAL MALABSORPTION OF VITAMIN B12, WITH PROTEINURIA; Megaloblastic anemia due to inborn errors of metabolism; ENTEROCYTE COBALAMIN MALABSORPTION; ENTEROCYTE INTRINSIC FACTOR RECEPTOR, DEFECT OF; Imerslund-Gräsbeck syndrome. Identifiers: Orphanet 35858, MedGen C4551825, MONDO:0009853.

Submission:

Labcorp Genetics (formerly Invitae), Labcorp
Classification: Uncertain significance for Imerslund-Grasbeck syndrome. Last evaluated: 2022-02-23. Review status: criteria provided, single submitter. Criteria: Invitae Variant Classification Sherloc (09022015). Collection method: clinical testing. Allele origin: germline.
Comment: Algorithms developed to predict the effect of sequence changes on RNA splicing suggest that this variant may disrupt the consensus splice site. In summary, the available evidence is currently insufficient to determine the role of this variant in disease. Therefore, it has been classified as a Variant of Uncertain Significance. This variant has not been reported in the literature in individuals affected with CUBN-related conditions. This sequence change falls in intron 43 of the CUBN gene. It does not directly change the encoded amino acid sequence of the CUBN protein. This variant is not present in population databases (gnomAD no frequency).